The following is an entry in ClinVar:

ClinVar aggregate classification (germline): Uncertain significance (1 of 4 stars; one submission).

Submission:

Labcorp Genetics (formerly Invitae), Labcorp
Classification: Uncertain significance. Last evaluated: 2024-01-09. Review status: criteria provided, single submitter. Criteria: Invitae Variant Classification Sherloc (09022015). Collection method: clinical testing. Allele origin: germline.
Comment: This sequence change replaces serine, which is neutral and polar, with threonine, which is neutral and polar, at codon 201 of the KCNC3 protein (p.Ser201Thr). This variant is not present in population databases (gnomAD no frequency). This variant has not been reported in the literature in individuals affected with KCNC3-related conditions. Advanced modeling of protein sequence and biophysical properties (such as structural, functional, and spatial information, amino acid conservation, physicochemical variation, residue mobility, and thermodynamic stability) performed at Invitae indicates that this missense variant is not expected to disrupt KCNC3 protein function with a negative predictive value of 95%. In summary, the available evidence is currently insufficient to determine the role of this variant in disease. Therefore, it has been classified as a Variant of Uncertain Significance.

NM_004977.3(KCNC3):c.601T>A (p.Ser201Thr)

Gene: KCNC3 (potassium voltage-gated channel subfamily C member 3; minus strand). Cytogenetic location: 19q13.33.
Variant type: single nucleotide variant.
Coding change: c.601T>A on transcript NM_004977.3 (MANE Select); coding-DNA position 601, T replaced by A.
Protein change: p.Ser201Thr; replaces serine 201 with threonine.
Molecular consequence: missense variant.
Genome position (GRCh38, 1-based): chr19:50,328,482, A>T on the plus strand (T>A on the coding strand, the complement: KCNC3 is on the minus strand). VCF-style: chr19-50328482-A-T. GRCh37 (hg19) VCF-style: chr19-50831739-A-T.
Other names: c.373T>A, p.Ser125Thr (NM_001372305.1); short protein forms S125T, S201T.
Identifiers: ClinVar variation 2699066 (VCV002699066.3), dbSNP rs2513803809, ClinGen allele CA406954811.
Genomic context (GRCh38, chr19:50,328,482, plus strand): 5'-CGTGGGCGCCTGCGGCGTTGGCGGCGTTGGCGGCGCCCGCGGGGTCGGGCGCCTCGAAGG[A>T]GTCGAGCGCCTCCTCAGCGTCGCGATGCTGCCGGTAGGTCATCCAGCAGCAGGCCTCCAC-3'
Protein context (NP_004968.2, residues 191-211): QHRDAEEALD[Ser201Thr]FEAPDPAGAA